The following is an entry in ClinVar:

ClinVar aggregate classification (germline): Likely benign. Review status: criteria provided, multiple submitters, no conflicts (2 of 4 stars). 3 submissions from 3 submitters: Likely benign (3). Last evaluated 2026-08-29.

Conditions:
Cardiovascular phenotype. Identifiers: MedGen CN230736.
Long QT syndrome (LQTS). Identifiers: MedGen C0023976, MeSH D008133, MONDO:0002442. Disease mechanism: loss of function. Inheritance: Various modes of inheritance.

gnomAD v4.1: 4 of 1,613,848 alleles (0.00025%); highest among the groups gnomAD compares: Non-Finnish European, 0.00034%; no homozygotes.

Submissions (3):

Ambry Genetics
Classification: Likely benign for Cardiovascular phenotype. Last evaluated: 2026-08-29. Review status: criteria provided, single submitter. Criteria: Ambry Variant Classification Scheme 2023. Collection method: clinical testing. Allele origin: germline.

Labcorp Genetics (formerly Invitae), Labcorp
Classification: Likely benign for Long QT syndrome. Last evaluated: 2025-05-02. Review status: criteria provided, single submitter. Criteria: Invitae Variant Classification Sherloc (09022015). Collection method: clinical testing. Allele origin: germline.

Molecular Diagnostic Laboratory for Inherited Cardiovascular Disease, Montreal Heart Institute
Classification: Likely benign. Last evaluated: 2025-04-09. Review status: criteria provided, single submitter. Criteria: ACMG Guidelines, 2015. Collection method: clinical testing. Allele origin: germline. Affected: no.
Comment: BP6;BP7

NM_000238.4(KCNH2):c.1998G>T (p.Leu666=)

Gene: KCNH2 (potassium voltage-gated channel subfamily H member 2; minus strand). Cytogenetic location: 7q36.1.
Variant type: single nucleotide variant.
Coding change: c.1998G>T on transcript NM_000238.4 (MANE Select); coding-DNA position 1998, G replaced by T.
Protein change: p.Leu666=; no amino-acid change (leucine 666 retained).
Molecular consequence: synonymous variant. On other transcripts: non-coding transcript variant (2).
Genome position (GRCh38, 1-based): chr7:150,951,068, C>A on the plus strand (G>T on the coding strand, the complement: KCNH2 is on the minus strand). VCF-style: chr7-150951068-C-A. GRCh37 (hg19) VCF-style: chr7-150648156-C-A.
Other names: c.978G>T, p.Leu326= (NM_001204798.2, NM_172057.3); c.1710G>T, p.Leu570= (NM_001406753.1, NM_001406756.1); c.1821G>T, p.Leu607= (NM_001406755.1); c.1698G>T, p.Leu566= (NM_001406757.1); c.1998G>T, p.Leu666= (NM_172056.3).
Identifiers: ClinVar variation 2723030 (VCV002723030.5), dbSNP rs1296300537, ClinGen allele CA458645454.
Genomic context (GRCh38, chr7:150,951,068, plus strand): 5'-GAAGCGGATGAACTCCCGCACCCGCAGCATCTGTGTGTGGTAGCGGGCTGTGCCCGAGTA[C>A]AGCCGCTGGATGATGGCCGACACGTTGCCGAAGATGCTAGCATACATGAGGGCTGGGGGC-3'
Protein context (NP_000229.1, residues 656-676): FGNVSAIIQR[Leu666=]YSGTARYHTQ